The following is an entry in ClinVar:

ClinVar aggregate classification (germline): Pathogenic. Review status: criteria provided, multiple submitters, no conflicts (2 of 4 stars). 7 submissions from 7 submitters: Pathogenic (6). 1 of the submissions does not count toward it. Last evaluated 2026-04-07.

Conditions:
CLCN7-related disorder. Also called: CLCN7-related condition.
Autosomal dominant osteopetrosis 2. Also called: ALBERS-SCHONBERG DISEASE, AUTOSOMAL DOMINANT; Autosomal Dominant Osteopetrosis Type II (ADOII); MARBLE BONES, AUTOSOMAL DOMINANT; OSTEOSCLEROSIS FRAGILIS GENERALISATA; Osteopetroses; Marble bones. Identifiers: Orphanet 53, MedGen C3179239, MONDO:0008156, OMIM 166600.

gnomAD v4.1: 1 of 1,613,134 alleles (0.000062%); highest among the groups gnomAD compares: Non-Finnish European, 0.000085%; no homozygotes.

Submissions (7):

Clinical Genetics and Genomics, Karolinska University Hospital
Classification: Pathogenic for Autosomal dominant osteopetrosis 2. Last evaluated: 2026-04-07. Review status: criteria provided, single submitter. Criteria: ACMG Guidelines, 2015. Collection method: clinical testing. Allele origin: unknown. Affected: yes.
Comment: The CLCN7 c.643G>A variant is predicted to result in the amino acid substitution p.Gly215Arg. This variant has been reported in multiple individuals with autosomal dominant osteopetrosis (Variation ID: 65635, PMID: 11741829‚ 15111300). In vitro experimental studies suggest this variant inhibits protein function and impacts the osteoclast acidification process (PMID: 15111300, 19543743). The variant is absent or in very low frequency in gnomAD (PM2). For these reasons, this variant has been classified as Pathogenic.

GeneDx
Classification: Pathogenic. Last evaluated: 2026-02-12. Review status: criteria provided, single submitter. Criteria: GeneDx Variant Classification Process June 2021. Collection method: clinical testing. Allele origin: germline.
Comment: Published functional studies demonstrate reduced transport of chloride across the membrane suggesting a damaging effect on acidification during bone resorption (PMID: 19543743); Not observed at significant frequency in large population cohorts (gnomAD); In silico analysis supports that this missense variant has a deleterious effect on protein structure/function; This variant is associated with the following publications: (PMID: 26325626, 14584882, 15111300, 19070589, 24336069, 20830208, 24185277, 31231577, 11741829, 27540713, 19953639, 23744590, 19288050, 17164308, 36999084, 19543743, 26395888, 39011244, 38702915, 40913471)

Labcorp Genetics (formerly Invitae), Labcorp
Classification: Pathogenic. Last evaluated: 2025-10-29. Review status: criteria provided, single submitter. Criteria: Invitae Variant Classification Sherloc (09022015). Collection method: clinical testing. Allele origin: germline.
Comment: This sequence change replaces glycine, which is neutral and non-polar, with arginine, which is basic and polar, at codon 215 of the CLCN7 protein (p.Gly215Arg). This variant is not present in population databases (gnomAD no frequency). This missense change has been observed in individuals with autosomal dominant osteopetrosis (PMID: 11741829). ClinVar contains an entry for this variant (Variation ID: 65635). Invitae Evidence Modeling of protein sequence and biophysical properties (such as structural, functional, and spatial information, amino acid conservation, physicochemical variation, residue mobility, and thermodynamic stability) indicates that this missense variant is expected to disrupt CLCN7 protein function with a positive predictive value of 95%. Experimental studies have shown that this missense change affects CLCN7 function (PMID: 15111300). For these reasons, this variant has been classified as Pathogenic.

PreventionGenetics, part of Exact Sciences
Classification: Pathogenic for CLCN7-related condition. Last evaluated: 2023-09-23. Review status: criteria provided, single submitter. Criteria: ACMG Guidelines, 2015. Collection method: clinical testing. Allele origin: germline.
Comment: The CLCN7 c.643G>A variant is predicted to result in the amino acid substitution p.Gly215Arg. This variant has been reported in multiple individuals with autosomal dominant osteopetrosis and was reported to segregate with disease in at least one family (Table 1, Cleiren et al. 2001. PubMed ID: 11741829; Figure 1, Piret et al. 2016. PubMed ID: 27540713; Figure 3, Chen et al. 2023. PubMed ID: 36999084). In vitro experimental studies suggest this variant inhibits protein function and impacts the osteoclast acidification process (Figure 5, Henriksen et al. 2004. PubMed ID: 15111300; Figure 5, Kajiya et al. 2009. PubMed ID: 19543743). This variant has not been reported in a large population database, indicating this variant is rare. This variant is interpreted as pathogenic.

Blueprint Genetics
Classification: Pathogenic for CLCN7-related disorders. Last evaluated: 2023-09-07. Review status: criteria provided, single submitter. Criteria: ACMG Guidelines, 2015. Collection method: clinical testing. Allele origin: germline. Affected: yes. Observed: 5 variant alleles.

Molecular Lab, Department of Haematology, Christian Medical College
Classification: Pathogenic for Autosomal dominant osteopetrosis 2. Last evaluated: 2022-05-20. Review status: criteria provided, single submitter. Criteria: ACMG Guidelines, 2015. Collection method: clinical testing. Allele origin: germline. Affected: yes. Observed: 1 variant allele.

GeneReviews
No classification provided. Condition: Autosomal dominant osteopetrosis 2. Review status: no classification provided. Collection method: literature only. Allele origin: germline. Not counted in ClinVar's aggregate classification.

Literature cited by the submitters: PubMed 11741829 (cited by Labcorp Genetics (formerly Invitae), Labcorp and GeneReviews); PubMed 15111300 (cited by Labcorp Genetics (formerly Invitae), Labcorp); NCBI Bookshelf NBK1127 (cited by GeneReviews).

NM_001287.6(CLCN7):c.643G>A (p.Gly215Arg)

Gene: CLCN7 (Cl-/H+ antiporter 7; minus strand). Cytogenetic location: 16p13.3.
Variant type: single nucleotide variant.
Coding change: c.643G>A on transcript NM_001287.6 (MANE Select); coding-DNA position 643, G replaced by A.
Protein change: p.Gly215Arg; replaces glycine 215 with arginine.
Molecular consequence: missense variant.
Genome position (GRCh38, 1-based): chr16:1,459,139, C>T on the plus strand (G>A on the coding strand, the complement: CLCN7 is on the minus strand). VCF-style: chr16-1459139-C-T. GRCh37 (hg19) VCF-style: chr16-1509140-C-T.
Other names: c.571G>A, p.Gly191Arg (NM_001114331.3); short protein forms G215R, G191R.
Identifiers: ClinVar variation 65635 (VCV000065635.20), dbSNP rs397515539, ClinGen allele CA344955.